The following is an entry in ClinVar:

ClinVar aggregate classification (germline): Benign. Review status: criteria provided, multiple submitters, no conflicts (2 of 4 stars). 2 submissions from 2 submitters: Benign (2). Last evaluated 2017-04-27.

Conditions:
Amyotrophic neuralgia (HNA). Also called: AMYOTROPHY, HEREDITARY NEURALGIC; Hereditary Brachial Plexus Neuropathy; Neuritis with Brachial Predilection; AMYOTROPHY, HEREDITARY NEURALGIC, WITH PREDILECTION FOR BRACHIAL PLEXUS. Identifiers: Orphanet 2901, MedGen C1834304, MONDO:0008076, OMIM 162100.

Allele frequency attached by ClinVar (database versions not stated): gnomAD exomes 0.02284 and 0.02597; ExAC 0.02890; gnomAD 0.03447; TOPMed 0.03926; 1000 Genomes Project 0.04493; 1000 Genomes Project 30x 0.04622.
gnomAD v4.1: 14,052 of 537,606 alleles (2.6%); highest among the groups gnomAD compares: East Asian, 10%; 406 homozygotes.

Submissions (2):

Illumina Laboratory Services, Illumina
Classification: Benign for Amyotrophy, hereditary neuralgic. Last evaluated: 2017-04-27. Review status: criteria provided, single submitter. Criteria: ICSL Variant Classification Criteria 13 December 2019. Collection method: clinical testing. Allele origin: germline.
Comment: This variant was observed as part of a predisposition screen in an ostensibly healthy population. A literature search was performed for the gene, cDNA change, and amino acid change (where applicable). No publications were found based on this search. Allele frequency data from public databases was too high to be consistent with this variant causing disease. Therefore, this variant is classified as benign.

Breakthrough Genomics
Classification: Benign. Review status: criteria provided, single submitter. Criteria: ACMG Guidelines, 2015. Collection method: not provided. Allele origin: germline. Inheritance: Autosomal dominant inheritance. Affected: yes.

NM_001113491.2(SEPTIN9):c.*377T>G

Gene: SEPTIN9 (septin 9; plus strand). Cytogenetic location: 17q25.3.
Variant type: single nucleotide variant.
Coding change: c.*377T>G on transcript NM_001113491.2 (MANE Select); 377 bases downstream of the stop codon, T replaced by G.
Molecular consequence: 3 prime UTR variant.
Genome position (GRCh38, 1-based): chr17:77,499,035, T>G. VCF-style: chr17-77499035-T-G. GRCh37 (hg19) VCF-style: chr17-75495117-T-G.
Other names: c.*377T>G (NM_001113492.2, NM_001113493.2, NM_001113494.1 and 7 more transcripts).
Identifiers: ClinVar variation 325586 (VCV000325586.6), dbSNP rs9904206, ClinGen allele CA8793980.
Genomic context (GRCh38, chr17:77,499,035, plus strand): 5'-CATCCGTCTGTGTGGGGTTCTCAGTGCCGGAGGCCTTGGGGTGGGGGCCAGGCCTCGCAC[T>G]TGCAGAGGAGCCCAGTGGGCTGCACGCTCCCCTCCATCCCCATCGGCCCTGTCCCCTGGA-3'